The following is an entry in ClinVar:

ClinVar aggregate classification (germline): Pathogenic (1 of 4 stars; one submission).

Conditions:
TH-deficient dopa-responsive dystonia. Also called: Segawa syndrome, autosomal recessive; Tyrosine Hydroxylase-Deficient Dopa-Responsive Dystonia; DYT-TH. Identifiers: Orphanet 101150, MedGen C2673535, MONDO:0011551, OMIM 605407.

Submission:

Myriad Genetics, Inc.
Classification: Pathogenic for TH-deficient dopa-responsive dystonia. Last evaluated: 2023-09-27. Review status: criteria provided, single submitter. Criteria: Myriad Autosomal Dominant, Autosomal Recessive and X-Linked Classification Criteria (2023). Collection method: clinical testing. Allele origin: unknown.
Comment: NM_199292.2(TH):c.334dupG(V112Gfs*24) is expected to be pathogenic in the context of tyrosine hydroxylase deficiency. This variant is predicted to lead to an abnormal or absent protein product due to the creation of a premature termination codon in TH, a gene where loss-of-function variants are known to be pathogenic. Please note: this variant was assessed in the context of healthy population screening.

NM_000360.4(TH):c.241dup (p.Val81fs)

Gene: TH (tyrosine hydroxylase; minus strand). Cytogenetic location: 11p15.5.
Variant type: Duplication.
Coding change: c.241dup on transcript NM_000360.4 (MANE Select); coding-DNA position 241, one base duplicated (G; older notation c.241dupG).
Protein change: p.Val81fs; shifts the reading frame from valine 81.
Molecular consequence: frameshift variant.
Genome position (GRCh38, 1-based): chr11:2,169,721, C duplicated on the plus strand (G on the coding strand, the reverse complement: TH is on the minus strand). VCF-style (leftmost placement, unchanged base first): chr11-2169720-A-AC. GRCh37 (hg19) VCF-style: chr11-2190950-A-AC.
Other names: c.253dup, p.Val85fs (NM_001440535.1, NM_001440536.1); c.241dup, p.Val81fs (NM_001440537.1); c.334dup, p.Val112fs (NM_199292.3); c.322dup, p.Val108fs (NM_199293.3); short protein forms V108fs, V112fs, V81fs, V85fs.
Identifiers: ClinVar variation 5011747 (VCV005011747.1).